The following is an entry in ClinVar:

NM_198075.4(LRRC56):c.252C>G (p.Ser84Arg)

Gene: LRRC56 (leucine rich repeat containing 56; plus strand). Cytogenetic location: 11p15.5.
Variant type: single nucleotide variant.
Coding change: c.252C>G on transcript NM_198075.4 (MANE Select); coding-DNA position 252, C replaced by G.
Protein change: p.Ser84Arg; replaces serine 84 with arginine.
Molecular consequence: missense variant.
Genome position (GRCh38, 1-based): chr11:541,611, C>G. VCF-style: chr11-541611-C-G. GRCh37 (hg19) VCF-style: chr11-541611-C-G.
Other names: c.252C>G, p.Ser84Arg (NM_001441283.1, NM_001441284.1, NM_001441285.1 and 1 more transcripts); short protein forms S84R.
Identifiers: ClinVar variation 4984831 (VCV004984831.1).

ClinVar aggregate classification (germline): Uncertain significance (1 of 4 stars; one submission).

Conditions:
LRRC56-related disorder. Also called: LRRC56-related condition.

gnomAD v4.1: 30 of 1,574,326 alleles (0.0019%); highest among the groups gnomAD compares: African/African-American, 0.0027%; no homozygotes.

Submission:

PreventionGenetics, part of Exact Sciences
Classification: Uncertain significance for LRRC56-related condition. Last evaluated: 2024-11-05. Review status: criteria provided, single submitter. Criteria: ACMG Guidelines, 2015. Collection method: clinical testing. Allele origin: germline.
Comment: The LRRC56 c.252C>G variant is predicted to result in the amino acid substitution p.Ser84Arg. To our knowledge, this variant has not been reported in the literature. This variant is reported in 0.0069% of alleles in individuals of African descent in gnomAD. At this time, the clinical significance of this variant is uncertain due to the absence of conclusive functional and genetic evidence.